The following is an entry in ClinVar:

NM_000404.4(GLB1):c.107A>G (p.Tyr36Cys)

Gene: GLB1 (galactosidase beta 1; minus strand). Cytogenetic location: 3p22.3.
Variant type: single nucleotide variant.
Coding change: c.107A>G on transcript NM_000404.4 (MANE Select); coding-DNA position 107, A replaced by G.
Protein change: p.Tyr36Cys; replaces tyrosine 36 with cysteine.
Molecular consequence: missense variant.
Genome position (GRCh38, 1-based): chr3:33,072,682, T>C on the plus strand (A>G on the coding strand, the complement: GLB1 is on the minus strand). VCF-style: chr3-33072682-T-C. GRCh37 (hg19) VCF-style: chr3-33114174-T-C.
Other names: c.107A>G (NM_000404.3, NM_000404.2); c.17A>G, p.Tyr6Cys (NM_001079811.3); c.107A>G, p.Tyr36Cys (NM_001135602.3); c.251A>G, p.Tyr84Cys (NM_001317040.2); short protein forms Y36C, Y6C, Y84C.
Identifiers: ClinVar variation 1063917 (VCV001063917.13), dbSNP rs748345527, ClinGen allele CA2299782.

ClinVar aggregate classification (germline): Conflicting classifications of pathogenicity. Review status: criteria provided, conflicting classifications (1 of 4 stars). 7 submissions from 7 submitters: Pathogenic (2); Likely pathogenic (4); Uncertain significance (1). Last evaluated 2026-10-16.

Conditions:
GLB1-related disorder. Also called: GLB1-related disorders. Identifiers: MedGen CN377807.
GM1 gangliosidosis type 2. Also called: GANGLIOSIDOSIS, GENERALIZED GM1, JUVENILE TYPE; GANGLIOSIDOSIS, GENERALIZED GM1, TYPE II; GM1-GANGLIOSIDOSIS, TYPE II; Gangliosidosis, Generalized GM1, Type 2; Juvenile GM>1< gangliosidosis. Identifiers: Orphanet 354, Orphanet 79256, MedGen C0268272, MONDO:0009261, OMIM 230600.
Mucopolysaccharidosis, MPS-IV-B (MPS4B). Also called: MORQUIO SYNDROME B; Mucopolysaccharidosis type IV B; Mucopolysaccharidosis type 4B; Mucopolysaccharidosis Type IVB; Mucopolysaccharidosis Type IVB (Morquio B Disease); Mucopolysaccharidosis type IVB (Morquio). Identifiers: Orphanet 309310, Orphanet 582, MedGen C0086652, MONDO:0009660, OMIM 253010.
GM1 gangliosidosis type 3. Also called: GANGLIOSIDOSIS, GENERALIZED GM1, ADULT TYPE; GANGLIOSIDOSIS, GENERALIZED GM1, CHRONIC TYPE; GANGLIOSIDOSIS, GENERALIZED GM1, TYPE III; GM1-GANGLIOSIDOSIS, TYPE III; Gangliosidosis, Generalized GM1, Type 3; Beta-galactosidase deficiency. Identifiers: Orphanet 79257, MedGen C0268273, MONDO:0009262, OMIM 230650.
Infantile GM1 gangliosidosis. Also called: Gangliosidosis, Generalized GM1, Type 1; GM1-gangliosidosis, type I; Gangliosidosis, generalized GM1, infantile form; GLB1 deficiency; GM1 gangliosidosis type 1. Identifiers: Orphanet 354, Orphanet 79255, MedGen C0268271, MONDO:0009260, OMIM 230500.
Inborn genetic diseases. Identifiers: MedGen C0950123, MeSH D030342.
GM1 gangliosidosis. Identifiers: Orphanet 354, MedGen C0085131, MONDO:0018149.

Allele frequency attached by ClinVar (database versions not stated): gnomAD exomes 0.00005 and 0.00001; ExAC 0.00005; TOPMed 0.00003.
gnomAD v4.1: 16 of 1,614,174 alleles (0.00099%); highest among the groups gnomAD compares: Admixed American, 0.02%; no homozygotes.

Submissions (7):

GeneDx
Classification: Likely pathogenic. Last evaluated: 2026-10-16. Review status: criteria provided, single submitter. Criteria: GeneDx Variant Classification Process June 2021. Collection method: clinical testing. Allele origin: germline.
Comment: Identified in a patient with neurodegeneration with brain iron accumulation (NBIA), who harbored a second pathogenic variant in the GLB1 gene; however phase was not determined (PMID: 36233161); In silico analysis supports that this missense variant has a deleterious effect on protein structure/function; This variant is associated with the following publications: (PMID: 26646981, 36233161, 38313286)

Myriad Genetics, Inc.
Classification: Uncertain significance for GLB1-related disorder. Last evaluated: 2026-06-01. Review status: criteria provided, single submitter. Criteria: Myriad Autosomal Dominant, Autosomal Recessive and X-Linked Classification Criteria (2023). Collection method: clinical testing. Allele origin: unknown.
Comment: NM_000404.2(GLB1):c.107A>G(Y36C) is a missense variant classified as a variant of uncertain significance in the context of GLB1-related disorders. Y36C has been observed in cases with relevant disease (PMID: 26646981, 36233161). Relevant functional assessments of this variant are not available in the literature. Y36C has been observed in referenced population frequency databases. In summary, there is insufficient evidence to classify NM_000404.2(GLB1):c.107A>G(Y36C) as pathogenic or benign. Please note: this variant was assessed in the context of healthy population screening.

Ambry Genetics
Classification: Pathogenic for Inborn genetic diseases. Last evaluated: 2026-02-27. Review status: criteria provided, single submitter. Criteria: Ambry Variant Classification Scheme 2023. Collection method: clinical testing. Allele origin: germline.
Comment: The c.107A>G (p.Y36C) alteration is located in exon 2 (coding exon 2) of the GLB1 gene. This alteration results from a A to G substitution at nucleotide position 107, causing the tyrosine (Y) at amino acid position 36 to be replaced by a cysteine (C). Based on data from gnomAD, this allele has an overall frequency of 0.005% (12/249520) total alleles studied. The highest observed frequency was 0.029% (10/34524) of Latino alleles. This variant has been identified in the homozygous state and/or in conjunction with other GLB1 variant(s) in individual(s) with features consistent with GLB1-related disorders; in at least one instance, the variants were identified in trans (Regier, 2016; Mart&iacute;nez-Rubio, 2022). Other variant(s) at the same codon, c.107A>C (p.Y36S), have been identified in individual(s) with features consistent with GLB1-related disorders (Sperb, 2013). This amino acid position is well conserved in available vertebrate species. This alteration is predicted to be deleterious by in silico analysis. Based on the available evidence, this alteration is classified as pathogenic.

Labcorp Genetics (formerly Invitae), Labcorp
Classification: Pathogenic for Mucopolysaccharidosis, MPS-IV-B; GM1 gangliosidosis. Last evaluated: 2026-01-28. Review status: criteria provided, single submitter. Criteria: Invitae Variant Classification Sherloc (09022015). Collection method: clinical testing. Allele origin: germline.
Comment: This sequence change replaces tyrosine, which is neutral and polar, with cysteine, which is neutral and slightly polar, at codon 36 of the GLB1 protein (p.Tyr36Cys). This variant is present in population databases (rs748345527, gnomAD 0.03%). This missense change has been observed in individual(s) with GM1 gangliosidosis (PMID: 26646981). ClinVar contains an entry for this variant (Variation ID: 1063917). Invitae Evidence Modeling of protein sequence and biophysical properties (such as structural, functional, and spatial information, amino acid conservation, physicochemical variation, residue mobility, and thermodynamic stability) indicates that this missense variant is expected to disrupt GLB1 protein function with a positive predictive value of 95%. This variant disrupts the p.Tyr36 amino acid residue in GLB1. Other variant(s) that disrupt this residue have been observed in individuals with GLB1-related conditions (PMID: 23046582), which suggests that this may be a clinically significant amino acid residue. For these reasons, this variant has been classified as Pathogenic.

Natera, Inc.
Classification: Likely pathogenic for Mucopolysaccharidosis, MPS-IV-B. Last evaluated: 2025-10-09. Review status: criteria provided, single submitter. Criteria: Natera Variant Classification Schema (03/2026). Collection method: clinical testing. Allele origin: germline.
Comment: The c.107A>G variant in GLB1 is a missense variant predicted to cause substitution of tyrosine to cysteine at amino acid 36. This variant is rare in the general population with a frequency below the threshold expected for the associated phenotype(s). This variant has been observed in one or more individuals affected with the associated recessive disease, as either homozygous or compound heterozygous with a second variant (PMID: 26646981, 36233161). Additionally, this variant has been observed to segregate in affected family members (PMID: 26646981). Computational prediction algorithms indicate this variant is likely to affect gene or protein function. Given the available evidence, this variant is classified as Likely Pathogenic.

Women's Health and Genetics/Laboratory Corporation of America, LabCorp
Classification: Likely pathogenic for Mucopolysaccharidosis, MPS-IV-B. Last evaluated: 2024-12-27. Review status: criteria provided, single submitter. Criteria: LabCorp Variant Classification Summary - May 2015. Collection method: clinical testing. Allele origin: germline.
Comment: Variant summary: GLB1 c.107A>G (p.Tyr36Cys) results in a non-conservative amino acid change in the encoded protein sequence. Five of five in-silico tools predict a damaging effect of the variant on protein function. The variant allele was found at a frequency of 4.8e-05 in 249520 control chromosomes. This frequency is not significantly higher than estimated for a pathogenic variant in GLB1 causing Mucopolysaccharidosis Type IVB (Morquio Syndrome B) (4.8e-05 vs 0.00091), allowing no conclusion about variant significance. c.107A>G has been reported in the literature in compound heterozygous individuals affected with Mucopolysaccharidosis Type IVB (Morquio Syndrome B) and it has been shown to segregate with disease in three affected siblings in one family (Regier_20416, Martnez-Rubio_2022). These data indicate that the variant is likely to be associated with disease. To our knowledge, no experimental evidence demonstrating an impact on protein function has been reported. The following publications have been ascertained in the context of this evaluation (PMID: 38313286, 36233161, 26646981). ClinVar contains an entry for this variant (Variation ID: 1063917). Based on the evidence outlined above, the variant was classified as likely pathogenic.

Fulgent Genetics
Classification: Likely pathogenic for Infantile GM1 gangliosidosis; GM1 gangliosidosis type 2; GM1 gangliosidosis type 3; Mucopolysaccharidosis, MPS-IV-B. Last evaluated: 2024-06-17. Review status: criteria provided, single submitter. Criteria: ACMG Guidelines, 2015. Collection method: clinical testing. Allele origin: germline.

Literature cited by the submitters: PubMed 26646981 (cited by 5 submitters); PubMed 36233161 (cited by 4 submitters); PubMed 23046582 (cited by Ambry Genetics and Labcorp Genetics (formerly Invitae), Labcorp); PubMed 38313286 (cited by Women's Health and Genetics/Laboratory Corporation of America, LabCorp).